The following is an entry in ClinVar:

NM_024334.3(TMEM43):c.518T>C (p.Met173Thr)

Gene: TMEM43 (transmembrane protein 43; plus strand). Cytogenetic location: 3p25.1.
Variant type: single nucleotide variant.
Coding change: c.518T>C on transcript NM_024334.3 (MANE Select); coding-DNA position 518, T replaced by C.
Protein change: p.Met173Thr; replaces methionine 173 with threonine.
Molecular consequence: missense variant.
Genome position (GRCh38, 1-based): chr3:14,133,744, T>C. VCF-style: chr3-14133744-T-C. GRCh37 (hg19) VCF-style: chr3-14175244-T-C.
Other names: short protein forms M173T.
Identifiers: ClinVar variation 923955 (VCV000923955.13), dbSNP rs373023080, ClinGen allele CA054231.

ClinVar aggregate classification (germline): Uncertain significance. Review status: criteria provided, multiple submitters, no conflicts (2 of 4 stars). 4 submissions from 4 submitters: Uncertain significance (4). Last evaluated 2026-09-21.

Conditions:
Arrhythmogenic right ventricular dysplasia 5. Also called: ARRHYTHMOGENIC RIGHT VENTRICULAR DYSPLASIA, FAMILIAL, 5; Arrhythmogenic Right Ventricular Dysplasia/Cardiomyopathy 5. Identifiers: MedGen C1858379, MONDO:0011459, OMIM 604400.
Cardiovascular phenotype. Identifiers: MedGen CN230736.
Cardiomyopathy (CMYO). Also called: Cardiomyopathies. Identifiers: Orphanet 167848, MedGen C0878544, MONDO:0004994, HP:0001638. Inheritance: Various modes of inheritance.

Allele frequency attached by ClinVar (database versions not stated): gnomAD 0.00003 and 0.00004; ESP Exome Variant Server 0.00008; ExAC 0.00001; gnomAD exomes 0.00001 and 0.00002; TOPMed 0.00003.

Submissions (4):

Molecular Diagnostic Laboratory for Inherited Cardiovascular Disease, Montreal Heart Institute
Classification: Uncertain significance for Cardiovascular phenotype. Last evaluated: 2026-09-21. Review status: criteria provided, single submitter. Criteria: ACMG Guidelines, 2015. Collection method: clinical testing. Allele origin: germline. Affected: yes.

Labcorp Genetics (formerly Invitae), Labcorp
Classification: Uncertain significance for Arrhythmogenic right ventricular dysplasia 5. Last evaluated: 2025-01-27. Review status: criteria provided, single submitter. Criteria: Invitae Variant Classification Sherloc (09022015). Collection method: clinical testing. Allele origin: germline.
Comment: This sequence change replaces methionine, which is neutral and non-polar, with threonine, which is neutral and polar, at codon 173 of the TMEM43 protein (p.Met173Thr). This variant is present in population databases (rs373023080, gnomAD 0.003%). This variant has not been reported in the literature in individuals affected with TMEM43-related conditions. ClinVar contains an entry for this variant (Variation ID: 923955). Invitae Evidence Modeling of protein sequence and biophysical properties (such as structural, functional, and spatial information, amino acid conservation, physicochemical variation, residue mobility, and thermodynamic stability) indicates that this missense variant is not expected to disrupt TMEM43 protein function with a negative predictive value of 80%. In summary, the available evidence is currently insufficient to determine the role of this variant in disease. Therefore, it has been classified as a Variant of Uncertain Significance.

All of Us Research Program, National Institutes of Health
Classification: Uncertain significance for Arrhythmogenic right ventricular dysplasia 5. Last evaluated: 2023-12-18. Review status: criteria provided, single submitter. Criteria: ACMG Guidelines, 2015. Collection method: clinical testing. Allele origin: germline. Inheritance: Autosomal dominant inheritance. Observed: 3 variant alleles, 3 heterozygotes.
Comment: Variant of Uncertain Significance due to insufficient evidence: This missense variant replaces methionine with threonine at codon 173 of the TMEM43 protein. Computational prediction tools and conservation analyses are inconclusive regarding the impact of this variant on the protein function. Computational splicing tools suggest that this variant may not impact RNA splicing. To our knowledge, functional assays have not been performed for this variant nor has this variant been reported in individuals affected with cardiovascular disorders in the literature. This variant has been identified in 2/251476 chromosomes in the general population by the Genome Aggregation Database (gnomAD). Available evidence is insufficient to determine the role of this variant in disease conclusively.

This study involves interpretation of variants in research participants for the purpose of population health screening. Participant phenotype was not available at the time of variant classification. Additional details can be found in publication PMID: 35346344, PMCID: PMC8962531

Color Diagnostics, LLC DBA Color Health
Classification: Uncertain significance for Cardiomyopathy. Last evaluated: 2023-11-27. Review status: criteria provided, single submitter. Criteria: ACMG Guidelines, 2015. Collection method: clinical testing. Allele origin: germline.
Comment: This missense variant replaces methionine with threonine at codon 173 of the TMEM43 protein. Computational prediction suggests that this variant may not impact protein structure and function (internally defined REVEL score threshold <= 0.5, PMID: 27666373). To our knowledge, functional studies have not been reported for this variant. This variant has not been reported in individuals affected with TMEM43-related disorders in the literature. This variant has been identified in 2/251476 chromosomes in the general population by the Genome Aggregation Database (gnomAD). The available evidence is insufficient to determine the role of this variant in disease conclusively. Therefore, this variant is classified as a Variant of Uncertain Significance.